The following is an entry in ClinVar:

NM_004085.4(TIMM8A):c.132+158A>G

Gene: TIMM8A (translocase of inner mitochondrial membrane 8A; minus strand). Cytogenetic location: Xq22.1.
Variant type: single nucleotide variant.
Coding change: c.132+158A>G on transcript NM_004085.4 (MANE Select); 158 bases into the intron after coding-DNA position 132, A replaced by G.
Molecular consequence: intron variant. On other transcripts: 3 prime UTR variant (1).
Genome position (GRCh38, 1-based): chrX:101,348,375, T>C on the plus strand (A>G on the coding strand, the complement: TIMM8A is on the minus strand). VCF-style: chrX-101348375-T-C. GRCh37 (hg19) VCF-style: chrX-100603363-T-C.
Other names: c.*12A>G; c.*12A>G (NM_001145951.2).
Identifiers: ClinVar variation 44082 (VCV000044082.7), dbSNP rs41309506, ClinGen allele CA282342.

ClinVar aggregate classification (germline): Benign. Review status: criteria provided, multiple submitters, no conflicts (2 of 4 stars). 4 submissions from 4 submitters: Benign (4). Last evaluated 2024-11-28.

Allele frequency attached by ClinVar (database versions not stated): 1000 Genomes Project 0.00689; 1000 Genomes Project 30x 0.00749; TOPMed 0.01067; ESP Exome Variant Server 0.01139; gnomAD 0.01204 and 0.01247; gnomAD exomes 0.01362 and 0.01761; ExAC 0.01980.
gnomAD v4.1: 19,981 of 1,172,658 alleles (1.7%); highest among the groups gnomAD compares: Non-Finnish European, 1.9%; 160 homozygotes.

Submissions (4):

Blueprint Genetics
Classification: Benign. Last evaluated: 2024-11-28. Review status: criteria provided, single submitter. Criteria: ACMG Guidelines, 2015. Collection method: clinical testing. Allele origin: germline.

GeneDx
Classification: Benign. Last evaluated: 2014-03-03. Review status: criteria provided, single submitter. Criteria: GeneDx Variant Classification (06012015). Collection method: clinical testing. Allele origin: germline. Affected: yes.
Comment: This variant is considered likely benign or benign based on one or more of the following criteria: it is a conservative change, it occurs at a poorly conserved position in the protein, it is predicted to be benign by multiple in silico algorithms, and/or has population frequency not consistent with disease.

Laboratory for Molecular Medicine, Mass General Brigham Personalized Medicine
Classification: Benign. Last evaluated: 2012-04-30. Review status: criteria provided, single submitter. Criteria: LMM Criteria. Collection method: clinical testing. Allele origin: germline. Observed: 27 variant alleles.
Comment: *12A>G in Exon 02 of TIMM8A: This variant is not expected to have clinical signi ficance because it has been identified in 1.6% (30/1899) of European American ch romosomes from a broad population by the NHLBI Exome Sequencing Project (dbSNP rs41309506).

Breakthrough Genomics
Classification: Benign. Review status: criteria provided, single submitter. Criteria: ACMG Guidelines, 2015. Collection method: not provided. Allele origin: germline. Inheritance: X-linked inheritance. Affected: yes.